The following is an entry in ClinVar:

NM_001482.3(GATM):c.*104A>G

Gene: GATM (glycine amidinotransferase; minus strand). Cytogenetic location: 15q21.1.
Variant type: single nucleotide variant.
Coding change: c.*104A>G on transcript NM_001482.3 (MANE Select); 104 bases downstream of the stop codon, A replaced by G.
Molecular consequence: 3 prime UTR variant.
Genome position (GRCh38, 1-based): chr15:45,362,005, T>C on the plus strand (A>G on the coding strand, the complement: GATM is on the minus strand). VCF-style: chr15-45362005-T-C. GRCh37 (hg19) VCF-style: chr15-45654203-T-C.
Other names: c.*104A>G (NM_001321015.2).
Identifiers: ClinVar variation 316208 (VCV000316208.8), dbSNP rs886051201, ClinGen allele CA10642026.

ClinVar aggregate classification (germline): Uncertain significance. Review status: reviewed by expert panel (3 of 4 stars). 2 submissions from 2 submitters: Uncertain significance (1). 1 of the submissions does not count toward it. Last evaluated 2025-10-07.

Conditions:
Arginine:glycine amidinotransferase deficiency (CCDS3). Also called: Creatine deficiency syndrome due to AGAT deficiency; GATM deficiency; Cerebral creatine deficiency syndrome 3; L-Arginine:Glycine Amidinotransferase (AGAT) Deficiency; AGAT deficiency; L-Arginine:Glycine Amidinotransferase Deficiency. Identifiers: Orphanet 35704, MedGen C2675179, MONDO:0012996, OMIM 612718.

Allele frequency attached by ClinVar (database versions not stated): gnomAD exomes below 0.00001.
gnomAD v4.1: 2 of 751,564 alleles (0.00027%); highest among the groups gnomAD compares: Non-Finnish European, 0.00048%; no homozygotes.

Submissions (2):

ClinGen Cerebral Creatine Deficiency Syndromes Variant Curation Expert Panel, ClinGen
Classification: Uncertain significance for Arginine:glycine amidinotransferase deficiency. Last evaluated: 2025-10-07. Review status: reviewed by expert panel. Criteria: ClinGen CCDS ACMG Specifications GAMT V2.0.0. Collection method: curation. Allele origin: germline. Inheritance: Autosomal recessive inheritance.
Comment: The NM_001482.3:c.*104A>G variant is a single nucleotide substitution in the 3'UTR of GATM. To our knowledge, this variant has not been reported in the literature in an individual with features of AGAT deficiency. Because the variant is located in the 3'UTR, it is not expected to alter the amino acid sequence, and SpliceAI predicts no impact on splicing. The highest population minor allele frequency in gnomAD v4.1.0. is 0.000004811 (2/415744 alleles) in the European non-Finnish population. This is below the ClinGen CCDS VCEP's threshold for PM2_Supporting (<0.000055), meeting this criterion (PM2_Supporting). There is a ClinVar entry for this variant (Variation ID: 316208). In summary, this variant meets the criteria to be classified as uncertain significance for AGAT deficiency based on the ACMG/AMP criteria applied, as specified by the ClinGen Cerebral Creatine Deficiency Syndromes Variant Curation Expert Panel (Specifications Version 2.0.0): PM2_Supporting. (Classification approved by the ClinGen CCDS VCEP on October 7, 2025).

Illumina Laboratory Services, Illumina
Classification: Uncertain significance for Arginine:glycine amidinotransferase deficiency. Last evaluated: 2018-01-13. Review status: criteria provided, single submitter. Criteria: ICSL Variant Classification Criteria 13 December 2019. Collection method: clinical testing. Allele origin: germline. Not counted in ClinVar's aggregate classification.